The following is an entry in ClinVar:

ClinVar aggregate classification (germline): Likely benign (0 of 4 stars; one submission).

Conditions:
GPATCH3-related disorder. Also called: GPATCH3-related condition.

Allele frequency attached by ClinVar (database versions not stated): gnomAD 0.00031; 1000 Genomes Project 30x 0.00047; 1000 Genomes Project 0.00060; ExAC 0.00017; TOPMed 0.00022; ESP Exome Variant Server 0.00023.
gnomAD v4.1: 952 of 1,613,984 alleles (0.059%); highest among the groups gnomAD compares: Non-Finnish European, 0.079%; no homozygotes.

Submission:

PreventionGenetics, part of Exact Sciences
Classification: Likely benign for GPATCH3-related condition. Last evaluated: 2019-07-11. Review status: no assertion criteria provided. Collection method: clinical testing. Allele origin: germline.
Comment: This variant is classified as likely benign based on ACMG/AMP sequence variant interpretation guidelines (Richards et al. 2015 PMID: 25741868, with internal and published modifications).

NM_022078.3(GPATCH3):c.451+3A>G

Gene: GPATCH3 (G-patch domain containing 3; minus strand). Cytogenetic location: 1p36.11.
Variant type: single nucleotide variant.
Coding change: c.451+3A>G on transcript NM_022078.3 (MANE Select); 3 bases into the intron after coding-DNA position 451, A replaced by G.
Molecular consequence: intron variant.
Genome position (GRCh38, 1-based): chr1:26,899,989, T>C on the plus strand (A>G on the coding strand, the complement: GPATCH3 is on the minus strand). VCF-style: chr1-26899989-T-C. GRCh37 (hg19) VCF-style: chr1-27226480-T-C.
Identifiers: ClinVar variation 3049452 (VCV003049452.2), dbSNP rs199841851, ClinGen allele CA709396.
Genomic context (GRCh38, chr1:26,899,989, plus strand): 5'-CCTCTGAAAAGGTGCCTCTGTTCCAGGCCCGTAGGCCCAGTCTATTAACTTTCTCACTCT[T>C]ACCTGATGCCTCCGTAGGTAGCCGAAGTCTGCGGATGAGACAGCGACCCGGTAGCCAAGT-3'